The following is an entry in ClinVar:

ClinVar aggregate classification (germline): Pathogenic. Review status: criteria provided, multiple submitters, no conflicts (2 of 4 stars). 3 submissions from 3 submitters: Pathogenic (2). 1 of the submissions does not count toward it. Last evaluated 2025-06-12.

Conditions:
Fanconi anemia (FA). Also called: Fanconi's anemia. Identifiers: Orphanet 84, MedGen C0015625, MeSH D005199, MONDO:0019391.
Fanconi anemia complementation group A (FANCA). Also called: Fanconi anemia, group A; FANCA-Related Fanconi Anemia. Identifiers: Orphanet 84, MedGen C3469521, MONDO:0009215, OMIM 227650.

Allele frequency attached by ClinVar (database versions not stated): ExAC below 0.00001.

Submissions (3):

Labcorp Genetics (formerly Invitae), Labcorp
Classification: Pathogenic for Fanconi anemia. Last evaluated: 2025-06-12. Review status: criteria provided, single submitter. Criteria: Invitae Variant Classification Sherloc (09022015). Collection method: clinical testing. Allele origin: germline.
Comment: This sequence change creates a premature translational stop signal (p.Gln772*) in the FANCA gene. It is expected to result in an absent or disrupted protein product. Loss-of-function variants in FANCA are known to be pathogenic (PMID: 19367192). This variant is not present in population databases (gnomAD no frequency). This premature translational stop signal has been observed in individual(s) with Fanconi anemia (PMID: 9399890, 12955722). ClinVar contains an entry for this variant (Variation ID: 656626). For these reasons, this variant has been classified as Pathogenic.

Baylor Genetics
Classification: Pathogenic for Fanconi anemia complementation group A. Last evaluated: 2023-06-26. Review status: criteria provided, single submitter. Criteria: ACMG Guidelines, 2015. Collection method: clinical testing. Allele origin: unknown.

Leiden Open Variation Database
Classification: Pathogenic for Fanconi anemia complementation group A. Last evaluated: 2020-02-28. Review status: no assertion criteria provided. Collection method: curation. Allele origin: germline. Affected: yes. Not counted in ClinVar's aggregate classification.
Comment: Curator: Arleen D. Auerbach. Submitter to LOVD: Arleen D. Auerbach.

Literature cited by the submitters: PubMed 19367192 (cited by Labcorp Genetics (formerly Invitae), Labcorp); PubMed 9399890 (cited by Labcorp Genetics (formerly Invitae), Labcorp); PubMed 12955722 (cited by Labcorp Genetics (formerly Invitae), Labcorp and Leiden Open Variation Database); PubMed 09399890 (cited by Leiden Open Variation Database).

NM_000135.4(FANCA):c.2314C>T (p.Gln772Ter)

Gene: FANCA (FA complementation group A; minus strand). Cytogenetic location: 16q24.3.
Variant type: single nucleotide variant.
Coding change: c.2314C>T on transcript NM_000135.4 (MANE Select); coding-DNA position 2314, C replaced by T.
Protein change: p.Gln772Ter; replaces glutamine 772 with a stop codon.
Molecular consequence: nonsense.
Genome position (GRCh38, 1-based): chr16:89,770,168, G>A on the plus strand (C>T on the coding strand, the complement: FANCA is on the minus strand). VCF-style: chr16-89770168-G-A. GRCh37 (hg19) VCF-style: chr16-89836576-G-A.
Other names: c.2314C>T, p.Gln772Ter (NM_001286167.3); c.2314C>T (LRG_495t1); short protein forms Q772*.
Identifiers: ClinVar variation 656626 (VCV000656626.11), dbSNP rs761725308, ClinGen allele CA8251797.